The following is an entry in ClinVar:

ClinVar aggregate classification (germline): Uncertain significance (1 of 4 stars; one submission).

Conditions:
Mucopolysaccharidosis, MPS-III-A (MPS3A). Also called: HEPARAN SULFATE SULFATASE DEFICIENCY; SANFILIPPO SYNDROME A; SULFAMIDASE DEFICIENCY; MPS III A; Mucopolysaccharidosis type IIIA (Sanfilippo A); Mucopolysaccharidosis, type IIIA. Identifiers: Orphanet 581, Orphanet 79269, MedGen C0086647, MONDO:0009655, OMIM 252900.

Submission:

Labcorp Genetics (formerly Invitae), Labcorp
Classification: Uncertain significance for Mucopolysaccharidosis, MPS-III-A. Last evaluated: 2022-11-29. Review status: criteria provided, single submitter. Criteria: Invitae Variant Classification Sherloc (09022015). Collection method: clinical testing. Allele origin: germline.
Comment: In summary, the available evidence is currently insufficient to determine the role of this variant in disease. Therefore, it has been classified as a Variant of Uncertain Significance. Variants that disrupt the consensus splice site are a relatively common cause of aberrant splicing (PMID: 17576681, 9536098). Algorithms developed to predict the effect of sequence changes on RNA splicing suggest that this variant may disrupt the consensus splice site. Algorithms developed to predict the effect of missense changes on protein structure and function (SIFT, PolyPhen-2, Align-GVGD) all suggest that this variant is likely to be disruptive. This missense change has been observed in individual(s) with clinical features of mucopolysaccharidosis type III (Invitae). This variant is not present in population databases (gnomAD no frequency). This sequence change replaces glycine, which is neutral and non-polar, with arginine, which is basic and polar, at codon 249 of the SGSH protein (p.Gly249Arg). This variant also falls at the last nucleotide of exon 6, which is part of the consensus splice site for this exon.

Literature cited by the submitters: PubMed 17576681; PubMed 9536098.

NM_000199.5(SGSH):c.745G>A (p.Gly249Arg)

Gene: SGSH (N-sulfoglucosamine sulfohydrolase; minus strand). Cytogenetic location: 17q25.3.
Variant type: single nucleotide variant.
Coding change: c.745G>A on transcript NM_000199.5 (MANE Select); coding-DNA position 745, G replaced by A.
Protein change: p.Gly249Arg; replaces glycine 249 with arginine.
Molecular consequence: missense variant. On other transcripts: non-coding transcript variant (1).
Genome position (GRCh38, 1-based): chr17:80,213,804, C>T on the plus strand (G>A on the coding strand, the complement: SGSH is on the minus strand). VCF-style: chr17-80213804-C-T. GRCh37 (hg19) VCF-style: chr17-78187603-C-T.
Other names: c.745G>A, p.Gly249Arg (NM_001352921.3, NM_001352922.2); short protein forms G249R.
Identifiers: ClinVar variation 2019391 (VCV002019391.4), dbSNP rs2510886114, ClinGen allele CA401361066.
Genomic context (GRCh38, chr17:80,213,804, plus strand): 5'-GCCCAGGATGGGGGACCCCGGCCGTGGCACCCCCTCCAGTGCCCGGTTCTGCAAGCCCAC[C>T]TTGGTCCATGCGGCCGACGGTGGTGTACTGAGCGGCCAGGTCGGCTCGGGCTGCCGGGGT-3'
Protein context (NP_000190.1, residues 239-259): QYTTVGRMDQ[Gly249Arg]VGLVLQELRD